The following is an entry in ClinVar:

NM_206927.4(SYTL2):c.5746-7C>T

Gene: SYTL2 (synaptotagmin like 2; minus strand). Cytogenetic location: 11q14.1.
Variant type: single nucleotide variant.
Coding change: c.5746-7C>T on transcript NM_206927.4 (MANE Select); 7 bases into the intron before coding-DNA position 5746, C replaced by T.
Molecular consequence: intron variant.
Genome position (GRCh38, 1-based): chr11:85,709,507, G>A on the plus strand (C>T on the coding strand, the complement: SYTL2 is on the minus strand). VCF-style: chr11-85709507-G-A. GRCh37 (hg19) VCF-style: chr11-85420550-G-A.
Other names: c.1798-7C>T (NM_001394461.1); c.5614-7C>T (NM_001394451.1); c.1681-7C>T (NM_001394467.1); c.1801-7C>T (NM_001394460.1); c.5617-7C>T (NM_001394450.1); c.5665-7C>T (NM_001394473.1); c.1831-7C>T (NM_001162951.4, NM_001394457.1, NM_001394458.1 and 1 more transcripts); c.1759-130C>T (NM_001394470.1); and 22 more.
Identifiers: ClinVar variation 2642241 (VCV002642241.24), dbSNP rs189936985, ClinGen allele CA6213675.
Genomic context (GRCh38, chr11:85,709,507, plus strand): 5'-AACTTCCAGATTGCCAAAGTCTCCACTATAAACACTCATCACACTGCCACTCACCTGAAA[G>A]CATCAGAAATACATAGTGTTTGTCTCTATCTCATTCTTAAACCTAGCACAAGGATCATGG-3'

ClinVar aggregate classification (germline): Likely benign (1 of 4 stars; one submission).

Allele frequency attached by ClinVar (database versions not stated): 1000 Genomes Project 30x 0.00125; 1000 Genomes Project 0.00140; ESP Exome Variant Server 0.00177; gnomAD 0.00186; TOPMed 0.00199; ExAC 0.00201.
gnomAD v4.1: 3,908 of 1,612,764 alleles (0.24%); highest among the groups gnomAD compares: Non-Finnish European, 0.27%; 6 homozygotes.

Submission:

CeGaT Center for Human Genetics Tuebingen
Classification: Likely benign. Last evaluated: 2022-10-01. Review status: criteria provided, single submitter. Criteria: CeGaT Center For Human Genetics Tuebingen Variant Classification Criteria Version 2. Collection method: clinical testing. Allele origin: germline. Affected: yes. Observed: 1 variant allele.
Comment: SYTL2: BP4